The following is an entry in ClinVar:

NM_004006.3(DMD):c.8315C>A (p.Ala2772Glu)

Gene: DMD (dystrophin; minus strand). Cytogenetic location: Xp21.1.
Variant type: single nucleotide variant.
Coding change: c.8315C>A on transcript NM_004006.3 (MANE Select); coding-DNA position 8315, C replaced by A.
Protein change: p.Ala2772Glu; replaces alanine 2772 with glutamic acid.
Molecular consequence: missense variant.
Genome position (GRCh38, 1-based): chrX:31,507,356, G>T on the plus strand (C>A on the coding strand, the complement: DMD is on the minus strand). VCF-style: chrX-31507356-G-T. GRCh37 (hg19) VCF-style: chrX-31525473-G-T.
Other names: c.8291C>A, p.Ala2764Glu (NM_000109.4); c.8303C>A, p.Ala2768Glu (NM_004009.3); c.7946C>A, p.Ala2649Glu (NM_004010.3); c.4292C>A, p.Ala1431Glu (NM_004011.4); c.4283C>A, p.Ala1428Glu (NM_004012.4); c.935C>A, p.Ala312Glu (NM_004013.3, NM_004020.4, NM_004021.3 and 2 more transcripts); c.128C>A, p.Ala43Glu (NM_004014.3); short protein forms A1428E, A1431E, A2649E, A2764E, A2768E, A2772E, A312E, A43E.
Identifiers: ClinVar variation 1021586 (VCV001021586.9), dbSNP rs758105917, ClinGen allele CA412656232.

ClinVar aggregate classification (germline): Uncertain significance (1 of 4 stars; one submission).

Conditions:
Duchenne muscular dystrophy (DMD). Also called: MUSCULAR DYSTROPHY, PSEUDOHYPERTROPHIC PROGRESSIVE, DUCHENNE TYPE; Duchenne Muscular Dystrophy (DMD). Identifiers: Orphanet 98896, MedGen C0013264, MONDO:0010679, OMIM 310200.

gnomAD v4.1: 1 of 1,211,115 alleles (0.000083%); highest among the groups gnomAD compares: Non-Finnish European, 0.00011%; no homozygotes.

Submission:

Labcorp Genetics (formerly Invitae), Labcorp
Classification: Uncertain significance for Duchenne muscular dystrophy. Last evaluated: 2023-08-04. Review status: criteria provided, single submitter. Criteria: Invitae Variant Classification Sherloc (09022015). Collection method: clinical testing. Allele origin: germline.
Comment: This variant is not present in population databases (gnomAD no frequency). This sequence change replaces alanine, which is neutral and non-polar, with glutamic acid, which is acidic and polar, at codon 2772 of the DMD protein (p.Ala2772Glu). This variant has not been reported in the literature in individuals affected with DMD-related conditions. ClinVar contains an entry for this variant (Variation ID: 1021586). Advanced modeling of protein sequence and biophysical properties (such as structural, functional, and spatial information, amino acid conservation, physicochemical variation, residue mobility, and thermodynamic stability) performed at Invitae indicates that this missense variant is not expected to disrupt DMD protein function. In summary, the available evidence is currently insufficient to determine the role of this variant in disease. Therefore, it has been classified as a Variant of Uncertain Significance.